The following is an entry in ClinVar:

ClinVar aggregate classification (germline): Uncertain significance (1 of 4 stars; one submission).

Conditions:
Long QT syndrome (LQTS). Identifiers: MedGen C0023976, MeSH D008133, MONDO:0002442. Disease mechanism: loss of function. Inheritance: Various modes of inheritance.

gnomAD v4.1: 2 of 1,614,046 alleles (0.00012%); highest among the groups gnomAD compares: Admixed American, 0.0017%; no homozygotes.

Submission:

Labcorp Genetics (formerly Invitae), Labcorp
Classification: Uncertain significance for Long QT syndrome. Last evaluated: 2024-11-11. Review status: criteria provided, single submitter. Criteria: Invitae Variant Classification Sherloc (09022015). Collection method: clinical testing. Allele origin: germline.
Comment: This sequence change replaces tyrosine, which is neutral and polar, with histidine, which is basic and polar, at codon 1214 of the CACNA1C protein (p.Tyr1214His). This variant is not present in population databases (gnomAD no frequency). This variant has not been reported in the literature in individuals affected with CACNA1C-related conditions. Invitae Evidence Modeling of protein sequence and biophysical properties (such as structural, functional, and spatial information, amino acid conservation, physicochemical variation, residue mobility, and thermodynamic stability) has been performed for this missense variant. However, the output from this modeling did not meet the statistical confidence thresholds required to predict the impact of this variant on CACNA1C protein function. In summary, the available evidence is currently insufficient to determine the role of this variant in disease. Therefore, it has been classified as a Variant of Uncertain Significance.

NM_000719.7(CACNA1C):c.3640T>C (p.Tyr1214His)

Gene: CACNA1C (calcium voltage-gated channel subunit alpha1 C; plus strand). Cytogenetic location: 12p13.33.
Variant type: single nucleotide variant.
Coding change: c.3640T>C on transcript NM_000719.7 (MANE Select); coding-DNA position 3640, T replaced by C.
Protein change: p.Tyr1214His; replaces tyrosine 1214 with histidine.
Molecular consequence: missense variant.
Genome position (GRCh38, 1-based): chr12:2,610,622, T>C. VCF-style: chr12-2610622-T-C. GRCh37 (hg19) VCF-style: chr12-2719788-T-C.
Other names: c.3640T>C, p.Tyr1214His (NM_001129840.2, NM_001129841.2, NM_001129842.2 and 15 more transcripts); c.3631T>C, p.Tyr1211His (NM_001129844.2); c.3700T>C, p.Tyr1234His (NM_199460.4, NM_001129832.2, NM_001129827.2); short protein forms Y1211H, Y1234H, Y1214H.
Identifiers: ClinVar variation 3669160 (VCV003669160.2).